The following is an entry in ClinVar:

ClinVar aggregate classification (germline): Likely benign (1 of 4 stars; one submission).

gnomAD v4.1: 12 of 1,538,504 alleles (0.00078%); highest among the groups gnomAD compares: East Asian, 0.0094%; no homozygotes.

Submission:

CeGaT Center for Human Genetics Tuebingen
Classification: Likely benign. Last evaluated: 2025-06-01. Review status: criteria provided, single submitter. Criteria: CeGaT Center For Human Genetics Tuebingen Variant Classification Criteria Version 2. Collection method: clinical testing. Allele origin: germline. Affected: yes. Observed: 1 variant allele.
Comment: FMN2: BP4, BP7

NM_020066.5(FMN2):c.3594G>A (p.Pro1198=)

Gene: FMN2 (formin 2; plus strand). Cytogenetic location: 1q43.
Variant type: single nucleotide variant.
Coding change: c.3594G>A on transcript NM_020066.5 (MANE Select); coding-DNA position 3594, G replaced by A.
Protein change: p.Pro1198=; no amino-acid change (proline 1198 retained).
Molecular consequence: synonymous variant. On other transcripts: intron variant (1).
Genome position (GRCh38, 1-based): chr1:240,208,406, G>A. VCF-style: chr1-240208406-G-A. GRCh37 (hg19) VCF-style: chr1-240371706-G-A.
Other names: c.3606G>A, p.Pro1202= (NM_001305424.2); c.1986+20144G>A (NM_001348094.2).
Identifiers: ClinVar variation 4085151 (VCV004085151.8).